The following is an entry in ClinVar:

ClinVar aggregate classification (germline): Uncertain significance (1 of 4 stars; one submission).

Conditions:
Developmental and epileptic encephalopathy, 69. Also called: EPILEPTIC ENCEPHALOPATHY, EARLY INFANTILE, 69. Identifiers: MedGen C4748988, MONDO:0032657, OMIM 618285.

Submission:

Juno Genomics, Hangzhou Juno Genomics, Inc
Classification: Uncertain significance for Developmental and epileptic encephalopathy, 69. Review status: criteria provided, single submitter. Criteria: ACMG Guidelines, 2015. Collection method: clinical testing. Allele origin: germline.
Comment: Absent from controls (or at extremely low frequency if recessive) in Genome Aggregation Database.;Missense variant in a gene that has a low rate of benign missense variation.

NM_001205293.3(CACNA1E):c.6495G>T (p.Lys2165Asn)

Gene: CACNA1E (calcium voltage-gated channel subunit alpha1 E; plus strand). Cytogenetic location: 1q25.3.
Variant type: single nucleotide variant.
Coding change: c.6495G>T on transcript NM_001205293.3 (MANE Select); coding-DNA position 6495, G replaced by T.
Protein change: p.Lys2165Asn; replaces lysine 2165 with asparagine.
Molecular consequence: missense variant.
Genome position (GRCh38, 1-based): chr1:181,798,387, G>T. VCF-style: chr1-181798387-G-T. GRCh37 (hg19) VCF-style: chr1-181767523-G-T.
Other names: c.6366G>T, p.Lys2122Asn (NM_000721.4); c.6309G>T, p.Lys2103Asn (NM_001205294.2); short protein forms K2103N, K2122N, K2165N.
Identifiers: ClinVar variation 5019241 (VCV005019241.2).